The following is an entry in ClinVar:

ClinVar aggregate classification (germline): Uncertain significance (1 of 4 stars; one submission).

Conditions:
Hereditary cancer-predisposing syndrome. Also called: Hereditary Cancer Syndrome; Hereditary neoplastic syndrome; Neoplastic Syndromes, Hereditary; Tumor predisposition. Identifiers: Orphanet 140162, MedGen C0027672, MeSH D009386, MONDO:0015356.

Submission:

Sema4
Classification: Uncertain significance for Hereditary cancer-predisposing syndrome. Last evaluated: 2021-12-22. Review status: criteria provided, single submitter. Criteria: Sema4 Curation Guidelines. Collection method: curation. Allele origin: germline.
Comment: The SMARCA4 c.989C>G (p.T330S) variant has not been reported in the literature to our knowledge. It was not observed in the large and broad cohorts of the Genome Aggregation Database (PMID: 32461654). The variant has not been reported in ClinVar. Functional studies have not been performed, and in silico predictions of the variant's effect on protein function are inconclusive. The evidence is insufficient to meet ACMG/AMP criteria for classifying the variant as benign or pathogenic. Thus, the clinical significance of this variant is currently uncertain.

NM_003072.5(SMARCA4):c.989C>G (p.Thr330Ser)

Gene: SMARCA4 (SWI/SNF related BAF chromatin remodeling complex subunit ATPase 4; plus strand). Cytogenetic location: 19p13.2.
Variant type: single nucleotide variant.
Coding change: c.989C>G on transcript NM_003072.5 (MANE Select); coding-DNA position 989, C replaced by G.
Protein change: p.Thr330Ser; replaces threonine 330 with serine.
Molecular consequence: missense variant. On other transcripts: non-coding transcript variant (1).
Genome position (GRCh38, 1-based): chr19:10,987,795, C>G. VCF-style: chr19-10987795-C-G. GRCh37 (hg19) VCF-style: chr19-11098471-C-G.
Other names: c.989C>G, p.Thr330Ser (NM_001128844.3, NM_001128845.2, NM_001128846.2 and 5 more transcripts); short protein forms T330S.
Identifiers: ClinVar variation 1692601 (VCV001692601.1), dbSNP rs1555755082, ClinGen allele CA404058589.